The following is an entry in ClinVar:

ClinVar aggregate classification (germline): Uncertain significance. Review status: criteria provided, multiple submitters, no conflicts (2 of 4 stars). 2 submissions from 2 submitters: Uncertain significance (2). Last evaluated 2022-11-23.

Conditions:
Marinesco-Sjögren syndrome (MSS). Also called: Marinesco-Sjogren Syndrome; Marinesco-SjÃ¶gren syndrome. Identifiers: Orphanet 559, MedGen C0024814, MONDO:0009567, OMIM 248800.
Inborn genetic diseases. Identifiers: MedGen C0950123, MeSH D030342.

Allele frequency attached by ClinVar (database versions not stated): ExAC 0.00002; 1000 Genomes Project 0.00020; 1000 Genomes Project 30x 0.00031.
gnomAD v4.1: 6 of 1,609,772 alleles (0.00037%); highest among the groups gnomAD compares: East Asian, 0.013%; no homozygotes.

Submissions (2):

Ambry Genetics
Classification: Uncertain significance for Inborn genetic diseases. Last evaluated: 2022-11-23. Review status: criteria provided, single submitter. Criteria: Ambry Variant Classification Scheme 2023. Collection method: clinical testing. Allele origin: germline.

Labcorp Genetics (formerly Invitae), Labcorp
Classification: Uncertain significance for Marinesco-Sjögren syndrome. Last evaluated: 2022-10-18. Review status: criteria provided, single submitter. Criteria: Invitae Variant Classification Sherloc (09022015). Collection method: clinical testing. Allele origin: germline.
Comment: This sequence change replaces alanine, which is neutral and non-polar, with glycine, which is neutral and non-polar, at codon 329 of the SIL1 protein (p.Ala329Gly). This variant is present in population databases (rs537647261, gnomAD 0.02%). This variant has not been reported in the literature in individuals affected with SIL1-related conditions. ClinVar contains an entry for this variant (Variation ID: 1497456). Advanced modeling of protein sequence and biophysical properties (such as structural, functional, and spatial information, amino acid conservation, physicochemical variation, residue mobility, and thermodynamic stability) performed at Invitae indicates that this missense variant is not expected to disrupt SIL1 protein function. In summary, the available evidence is currently insufficient to determine the role of this variant in disease. Therefore, it has been classified as a Variant of Uncertain Significance.

NM_022464.5(SIL1):c.986C>G (p.Ala329Gly)

Gene: SIL1 (SIL1 nucleotide exchange factor; minus strand). Cytogenetic location: 5q31.2.
Variant type: single nucleotide variant.
Coding change: c.986C>G on transcript NM_022464.5 (MANE Select); coding-DNA position 986, C replaced by G.
Protein change: p.Ala329Gly; replaces alanine 329 with glycine.
Molecular consequence: missense variant.
Genome position (GRCh38, 1-based): chr5:138,951,214, G>C on the plus strand (C>G on the coding strand, the complement: SIL1 is on the minus strand). VCF-style: chr5-138951214-G-C. GRCh37 (hg19) VCF-style: chr5-138286903-G-C.
Other names: c.986C>G (NM_022464.4); c.986C>G, p.Ala329Gly (NM_001037633.2); short protein forms A329G.
Identifiers: ClinVar variation 1497456 (VCV001497456.7), dbSNP rs537647261, ClinGen allele CA3432426.
Genomic context (GRCh38, chr5:138,951,214, plus strand): 5'-TGGGCCTGGGCACTCACCTTCTCCGTGACCAGGTCGTAGAGCAGTGTGACCACGCGCACG[G>C]CGAGCACCTCCGTGCCCTTCTCCTGCACCAGGGTCCTCAGGACCTGCAGCCCCCCGAGCT-3'
Protein context (NP_071909.1, residues 319-339): LVQEKGTEVL[Ala329Gly]VRVVTLLYDL